The following is an entry in ClinVar:

ClinVar aggregate classification (germline): Benign (1 of 4 stars; one submission).

Conditions:
Vesicoureteral reflux 2 (VUR2). Identifiers: Orphanet 289365, MedGen C1970483, MONDO:0012573, OMIM 610878.

Allele frequency attached by ClinVar (database versions not stated): gnomAD 0.00588 and 0.00621; 1000 Genomes Project 0.00719; TOPMed 0.00745; 1000 Genomes Project 30x 0.00765.
gnomAD v4.1: 895 of 152,312 alleles (0.59%); highest among the groups gnomAD compares: African/African-American, 1.9%; 4 homozygotes.

Submission:

Illumina Laboratory Services, Illumina
Classification: Benign for Vesicoureteral reflux 2. Last evaluated: 2018-01-13. Review status: criteria provided, single submitter. Criteria: ICSL Variant Classification Criteria 13 December 2019. Collection method: clinical testing. Allele origin: germline.
Comment: This variant was observed in the ICSL laboratory as part of a predisposition screen in an ostensibly healthy population. It had not been previously curated by ICSL or reported in the Human Gene Mutation Database (HGMD: prior to June 1st, 2018), and was therefore a candidate for classification through an automated scoring system. Utilizing variant allele frequency, disease prevalence and penetrance estimates, and inheritance mode, an automated score was calculated to assess if this variant is too frequent to cause the disease. Based on the score and internal cut-off values, a variant classified as benign is not then subjected to further curation. The score for this variant resulted in a classification of benign for this disease.

NM_001395656.1(ROBO2):c.*3618T>C

Gene: ROBO2 (roundabout guidance receptor 2; plus strand). Cytogenetic location: 3p12.3.
Variant type: single nucleotide variant.
Coding change: c.*3618T>C on transcript NM_001395656.1 (MANE Select); 3618 bases downstream of the stop codon, T replaced by C.
Molecular consequence: 3 prime UTR variant.
Genome position (GRCh38, 1-based): chr3:77,649,673, T>C. VCF-style: chr3-77649673-T-C. GRCh37 (hg19) VCF-style: chr3-77698824-T-C.
Other names: c.*3618T>C (NM_001128929.3, NM_001290039.2, NM_001290040.2 and 14 more transcripts); c.*3615T>C (NM_001378194.1, NM_001378196.1, NM_001378199.1 and 3 more transcripts).
Identifiers: ClinVar variation 346769 (VCV000346769.6), dbSNP rs192514111, ClinGen allele CA10616716.
Genomic context (GRCh38, chr3:77,649,673, plus strand): 5'-TTCTCTATAATGTGTACTTCAAATGAAACACCATACTTTTTTCTAAAAAAAGATGTTCAA[T>C]TTACTAATTTTTTTAAATCTCATAATTTAAAAAGCATTTGTTGTGATTTTAAAGTGTTGC-3'